The following is an entry in ClinVar:

ClinVar aggregate classification (germline): Uncertain significance (1 of 4 stars; one submission).

Submission:

Labcorp Genetics (formerly Invitae), Labcorp
Classification: Uncertain significance. Last evaluated: 2024-12-07. Review status: criteria provided, single submitter. Criteria: Invitae Variant Classification Sherloc (09022015). Collection method: clinical testing. Allele origin: germline.
Comment: This sequence change replaces valine, which is neutral and non-polar, with leucine, which is neutral and non-polar, at codon 691 of the MICAL1 protein (p.Val691Leu). This variant is not present in population databases (gnomAD no frequency). This variant has not been reported in the literature in individuals affected with MICAL1-related conditions. An algorithm developed to predict the effect of missense changes on protein structure and function (PolyPhen-2) suggests that this variant is likely to be tolerated. In summary, the available evidence is currently insufficient to determine the role of this variant in disease. Therefore, it has been classified as a Variant of Uncertain Significance.

NM_022765.4(MICAL1):c.2014G>T (p.Val672Leu)

Gene: MICAL1 (microtubule associated monooxygenase, calponin and LIM domain containing 1; minus strand). Cytogenetic location: 6q21.
Variant type: single nucleotide variant.
Coding change: c.2014G>T on transcript NM_022765.4 (MANE Select); coding-DNA position 2014, G replaced by T.
Protein change: p.Val672Leu; replaces valine 672 with leucine.
Molecular consequence: missense variant.
Genome position (GRCh38, 1-based): chr6:109,447,413, C>A on the plus strand (G>T on the coding strand, the complement: MICAL1 is on the minus strand). VCF-style: chr6-109447413-C-A. GRCh37 (hg19) VCF-style: chr6-109768616-C-A.
Other names: c.1756G>T, p.Val586Leu (NM_001159291.2); c.2071G>T, p.Val691Leu (NM_001286613.2); short protein forms V586L, V691L, V672L.
Identifiers: ClinVar variation 3726806 (VCV003726806.2).
Genomic context (GRCh38, chr6:109,447,413, plus strand): 5'-TCACCTCCTGGTGTTGGGATGGGGGTGTCAGGGGTACACCAGGCTCTGGGTCAGGTGGCA[C>A]CTCAGTACTTGGGGTCTCGGCCTCCATCTAAGGAGGTAAGTGCTCAGGCAGGGAGGGTAG-3'
Protein context (NP_073602.3, residues 662-682): EMEAETPSTE[Val672Leu]PPDPEPGVPL